The following is an entry in ClinVar:

NM_000383.4(AIRE):c.931del (p.Cys311fs)

Gene: AIRE (autoimmune regulator; plus strand). Cytogenetic location: 21q22.3.
Variant type: Deletion.
Coding change: c.931del on transcript NM_000383.4 (MANE Select); coding-DNA position 931, one base deleted (T; older notation c.931delT).
Protein change: p.Cys311fs; shifts the reading frame from cysteine 311.
Molecular consequence: frameshift variant.
Genome position (GRCh38, 1-based): chr21:44,291,146, T deleted. VCF-style (leftmost placement, unchanged base first): chr21-44291145-CT-C. GRCh37 (hg19) VCF-style: chr21-45711028-CT-C.
Other names: short protein forms C311fs.
Identifiers: ClinVar variation 554933 (VCV000554933.11), dbSNP rs1555872755, ClinGen allele CA658824359.
Genomic context (GRCh38, chr21:44,291,145, plus strand): 5'-CCTGTGCCAGAAGAATGAGGACGAGTGTGCCGTGTGTCGGGACGGCGGGGAGCTCATCTG[CT>C]GTGACGGCTGCCCTCGGGCCTTCCACCTGGCCTGCCTGTCCCCTCCGCTCCGGGAGATCC-3'

ClinVar aggregate classification (germline): Pathogenic. Review status: criteria provided, multiple submitters, no conflicts (2 of 4 stars). 4 submissions from 4 submitters: Pathogenic (3). 1 of the submissions does not count toward it. Last evaluated 2024-04-23.

Conditions:
AIRE-related disorder. Also called: AIRE-related condition.
Polyglandular autoimmune syndrome, type 1 (APS1). Also called: AUTOIMMUNE POLYENDOCRINE SYNDROME, TYPE I, WITH OR WITHOUT REVERSIBLE METAPHYSEAL DYSPLASIA; PGA I; Autoimmune polyendocrinopathy syndrome , type I, with or without reversible metaphyseal dysplasia; APS I; Whitaker syndrome; Autoimmune polyendocrinopathy syndrome, type I. Identifiers: Orphanet 3453, MedGen C0085859, MONDO:0009411, OMIM 240300.

Allele frequency attached by ClinVar (database versions not stated): gnomAD exomes below 0.00001.

Submissions (4):

Blueprint Genetics
Classification: Pathogenic for AIRE-related disorders. Last evaluated: 2024-04-23. Review status: criteria provided, single submitter. Criteria: ACMG Guidelines, 2015. Collection method: clinical testing. Allele origin: germline. Affected: yes. Observed: 1 variant allele.

National Institute of Allergy and Infectious Diseases - Centralized Sequencing Program, National Institutes of Health
Classification: Pathogenic for APECED. Last evaluated: 2023-09-14. Review status: criteria provided, single submitter. Criteria: ACMG Guidelines, 2015. Collection method: clinical testing. Allele origin: germline. Affected: yes.

Labcorp Genetics (formerly Invitae), Labcorp
Classification: Pathogenic for Polyglandular autoimmune syndrome, type 1. Last evaluated: 2023-08-02. Review status: criteria provided, single submitter. Criteria: Invitae Variant Classification Sherloc (09022015). Collection method: clinical testing. Allele origin: germline.
Comment: This sequence change creates a premature translational stop signal (p.Cys311Valfs*67) in the AIRE gene. It is expected to result in an absent or disrupted protein product. Loss-of-function variants in AIRE are known to be pathogenic (PMID: 11524731, 26141571). This variant is not present in population databases (gnomAD no frequency). This premature translational stop signal has been observed in individual(s) with AIRE-related conditions (PMID: 10677297). This variant is also known as 1051delT. ClinVar contains an entry for this variant (Variation ID: 554933). For these reasons, this variant has been classified as Pathogenic.

Counsyl
Classification: Pathogenic for Polyglandular autoimmune syndrome, type 1. Last evaluated: 2017-11-09. Review status: no assertion criteria provided. Collection method: clinical testing. Allele origin: unknown. Not counted in ClinVar's aggregate classification.

Literature cited by the submitters: PubMed 10677297 (cited by National Institute of Allergy and Infectious Diseases - Centralized Sequencing Program, National Institutes of Health and Labcorp Genetics (formerly Invitae), Labcorp); PubMed 11524731 (cited by Labcorp Genetics (formerly Invitae), Labcorp); PubMed 26141571 (cited by Labcorp Genetics (formerly Invitae), Labcorp); PubMed 16965330 (cited by Counsyl); PubMed 11836330 (cited by Counsyl).